The following is an entry in ClinVar:

NM_144687.4(NLRP12):c.882C>G (p.Asp294Glu)

Gene: NLRP12 (NLR family pyrin domain containing 12; minus strand). Cytogenetic location: 19q13.42.
Variant type: single nucleotide variant.
Coding change: c.882C>G on transcript NM_144687.4 (MANE Select); coding-DNA position 882, C replaced by G.
Protein change: p.Asp294Glu; replaces aspartic acid 294 with glutamic acid.
Molecular consequence: missense variant.
Genome position (GRCh38, 1-based): chr19:53,810,777, G>C on the plus strand (C>G on the coding strand, the complement: NLRP12 is on the minus strand). VCF-style: chr19-53810777-G-C. GRCh37 (hg19) VCF-style: chr19-54314031-G-C.
Other names: c.882C>G (NM_144687.2); c.882C>G, p.Asp294Glu (NM_001277126.2, NM_001277129.1); short protein forms D294E.
Identifiers: ClinVar variation 523653 (VCV000523653.3), dbSNP rs147080557, ClinGen allele CA9639583.

ClinVar aggregate classification (germline): Pathogenic/Likely pathogenic. Review status: criteria provided, multiple submitters, no conflicts (2 of 4 stars). 3 submissions from 3 submitters: Pathogenic (1); Likely pathogenic (1). 1 of the submissions does not count toward it. Last evaluated 2025-04-01.

Conditions:
Familial cold autoinflammatory syndrome 2 (FCAS2). Identifiers: Orphanet 247868, MedGen C2673198, MONDO:0012724, OMIM 611762.

gnomAD v4.1: 13 of 1,613,970 alleles (0.00081%); highest among the groups gnomAD compares: Non-Finnish European, 0.0011%; no homozygotes.

Submissions (3):

GeneDx
Classification: Likely pathogenic. Last evaluated: 2025-04-01. Review status: criteria provided, single submitter. Criteria: GeneDx Variant Classification Process June 2021. Collection method: clinical testing. Allele origin: germline. Affected: yes.
Comment: Published functional studies demonstrate that the kinetics of PAMP-induced IL-1 secretion are significantly accelerated (PMID: 21360512); Not observed at significant frequency in large population cohorts (gnomAD); In silico analysis supports that this missense variant has a deleterious effect on protein structure/function; This variant is associated with the following publications: (PMID: 38123482, 25249449, 37572944, 38878806, 32725138, 35313917, 21360512, 27314497, 23877409, 26631101)

Baylor Genetics
Classification: Pathogenic for Familial cold autoinflammatory syndrome 2. Last evaluated: 2023-07-10. Review status: criteria provided, single submitter. Criteria: ACMG Guidelines, 2015. Collection method: clinical testing. Allele origin: unknown.

OMIM
Classification: Pathogenic for FAMILIAL COLD AUTOINFLAMMATORY SYNDROME 2. Last evaluated: 2018-05-15. Review status: no assertion criteria provided. Collection method: literature only. Allele origin: germline. Not counted in ClinVar's aggregate classification.

Literature cited by the submitters: PubMed 21360512 (cited by OMIM); PubMed 27314497 (cited by OMIM).